The following is an entry in ClinVar:

NM_000981.4(RPL19):c.585G>A (p.Lys195=)

Gene: RPL19 (ribosomal protein L19; plus strand). Cytogenetic location: 17q12.
Variant type: single nucleotide variant.
Coding change: c.585G>A on transcript NM_000981.4 (MANE Select); coding-DNA position 585, G replaced by A.
Protein change: p.Lys195=; no amino-acid change (lysine 195 retained).
Molecular consequence: synonymous variant.
Genome position (GRCh38, 1-based): chr17:39,204,642, G>A. VCF-style: chr17-39204642-G-A. GRCh37 (hg19) VCF-style: chr17-37360895-G-A.
Other names: c.579G>A, p.Lys193= (NM_001330200.1).
Identifiers: ClinVar variation 1166594 (VCV001166594.13), dbSNP rs751845105, ClinGen allele CA8528980.

ClinVar aggregate classification (germline): Benign/Likely benign. Review status: criteria provided, multiple submitters, no conflicts (2 of 4 stars). 3 submissions from 3 submitters: Benign (1); Likely benign (1). 1 of the submissions does not count toward it. Last evaluated 2026-01-19.

Conditions:
Diamond-Blackfan anemia. Also called: Blackfan Diamond syndrome; Aregenerative anemia chronic congenital; Red cell aplasia, pure hereditary; Congenital hypoplastic anemia; Aase syndrome. Identifiers: Orphanet 124, MedGen C1260899, MeSH D029503, MONDO:0015253, HP:0004810.
RPL19-related disorder. Also called: RPL19-related condition.

Allele frequency attached by ClinVar (database versions not stated): ExAC 0.00409.

Submissions (3):

Labcorp Genetics (formerly Invitae), Labcorp
Classification: Benign. Last evaluated: 2026-01-19. Review status: criteria provided, single submitter. Criteria: Invitae Variant Classification Sherloc (09022015). Collection method: clinical testing. Allele origin: germline.

Ambry Genetics
Classification: Likely benign for Diamond-Blackfan anemia. Last evaluated: 2022-03-04. Review status: criteria provided, single submitter. Criteria: Ambry Variant Classification Scheme 2023. Collection method: clinical testing. Allele origin: germline.

PreventionGenetics, part of Exact Sciences
Classification: Likely benign for RPL19-related condition. Last evaluated: 2022-12-30. Review status: no assertion criteria provided. Collection method: clinical testing. Allele origin: germline. Not counted in ClinVar's aggregate classification.
Comment: This variant is classified as likely benign based on ACMG/AMP sequence variant interpretation guidelines (Richards et al. 2015 PMID: 25741868, with internal and published modifications).